The following is an entry in ClinVar:

ClinVar aggregate classification (germline): Uncertain significance (1 of 4 stars; one submission).

Conditions:
Schneckenbecken dysplasia. Identifiers: Orphanet 3144, MedGen C0432194, MONDO:0010013, OMIM 269250.

Allele frequency attached by ClinVar (database versions not stated): gnomAD exomes below 0.00001.
gnomAD v4.1: 1 of 1,614,130 alleles (0.000062%); highest among the groups gnomAD compares: South Asian, 0.0011%; no homozygotes.

Submission:

Labcorp Genetics (formerly Invitae), Labcorp
Classification: Uncertain significance for Schneckenbecken dysplasia. Last evaluated: 2022-02-14. Review status: criteria provided, single submitter. Criteria: Invitae Variant Classification Sherloc (09022015). Collection method: clinical testing. Allele origin: germline.
Comment: In summary, the available evidence is currently insufficient to determine the role of this variant in disease. Therefore, it has been classified as a Variant of Uncertain Significance. Variants that disrupt the consensus splice site are a relatively common cause of aberrant splicing (PMID: 17576681, 9536098). Algorithms developed to predict the effect of sequence changes on RNA splicing suggest that this variant may disrupt the consensus splice site. This variant has not been reported in the literature in individuals affected with SLC35D1-related conditions. This variant is not present in population databases (gnomAD no frequency). This sequence change falls in intron 2 of the SLC35D1 gene. It does not directly change the encoded amino acid sequence of the SLC35D1 protein. It affects a nucleotide within the consensus splice site.

Literature cited by the submitters: PubMed 17576681; PubMed 9536098.

NM_015139.3(SLC35D1):c.237+5G>C

Gene: SLC35D1 (solute carrier family 35 member D1; minus strand). Cytogenetic location: 1p31.3.
Variant type: single nucleotide variant.
Coding change: c.237+5G>C on transcript NM_015139.3 (MANE Select); 5 bases into the intron after coding-DNA position 237, G replaced by C.
Molecular consequence: intron variant.
Genome position (GRCh38, 1-based): chr1:67,052,951, C>G on the plus strand (G>C on the coding strand, the complement: SLC35D1 is on the minus strand). VCF-style: chr1-67052951-C-G. GRCh37 (hg19) VCF-style: chr1-67518634-C-G.
Identifiers: ClinVar variation 2097701 (VCV002097701.4), dbSNP rs2524813114, ClinGen allele CA2580063181.